The following is an entry in ClinVar:

NM_001376.5(DYNC1H1):c.8704GAA[2] (p.Glu2904del)

Gene: DYNC1H1 (dynein cytoplasmic 1 heavy chain 1; plus strand). Cytogenetic location: 14q32.31.
Variant type: Microsatellite.
Coding change: c.8704GAA[2] on transcript NM_001376.5 (MANE Select); two copies in a row of the 3-base unit GAA starting at c.8704; the reference has three copies in a row; one copy, 3 bases deleted.
Protein change: p.Glu2904del; deletes glutamic acid 2904.
Molecular consequence: inframe deletion.
Genome position (GRCh38, 1-based): chr14:102,026,646-102,026,648, GAA deleted; deleting any 3 consecutive bases within chr14:102,026,640-102,026,648 gives the same sequence; the position shown is the placement nearest the transcript's 3' end. VCF-style (leftmost placement, unchanged base first): chr14-102026639-TGAA-T. GRCh37 (hg19) VCF-style: chr14-102492976-TGAA-T.
Other names: short protein forms E2904del.
Identifiers: ClinVar variation 1997467 (VCV001997467.4), dbSNP rs2503801528, ClinGen allele CA645574458.
Genomic context (GRCh38, chr14:102,026,639, plus strand): 5'-CATCCCAGTAGACCAAGAAGAGTTAAGAGATTATGTCAAAGCTAGGCTGAAGGTCTTTTA[TGAA>T]GAAGAACTTGATGTTCCGCTGGTGCTGTTTAATGAAGTCCTAGACCACGTGCTGAGGATT-3'

ClinVar aggregate classification (germline): Uncertain significance (1 of 4 stars; one submission).

Conditions:
Charcot-Marie-Tooth disease axonal type 2O. Also called: CHARCOT-MARIE-TOOTH NEUROPATHY, AXONAL, TYPE 2O; CHARCOT-MARIE-TOOTH DISEASE, AXONAL, AUTOSOMAL DOMINANT, TYPE 2O; Charcot-Marie-Tooth Neuropathy Type 2O; Charcot-Marie-Tooth disease, axonal, type 20. Identifiers: Orphanet 284232, MedGen C3280220, MONDO:0013644, OMIM 614228.

Submission:

Labcorp Genetics (formerly Invitae), Labcorp
Classification: Uncertain significance for Charcot-Marie-Tooth disease axonal type 2O. Last evaluated: 2023-05-19. Review status: criteria provided, single submitter. Criteria: Invitae Variant Classification Sherloc (09022015). Collection method: clinical testing. Allele origin: germline.
Comment: In summary, the available evidence is currently insufficient to determine the role of this variant in disease. Therefore, it has been classified as a Variant of Uncertain Significance. Experimental studies and prediction algorithms are not available or were not evaluated, and the functional significance of this variant is currently unknown. This variant has not been reported in the literature in individuals affected with DYNC1H1-related conditions. This variant is not present in population databases (gnomAD no frequency). This variant, c.8710_8712del, results in the deletion of 1 amino acid(s) of the DYNC1H1 protein (p.Glu2904del), but otherwise preserves the integrity of the reading frame.